The following is an entry in ClinVar:

NM_032043.3(BRIP1):c.1104del (p.Tyr369fs)

Gene: BRIP1 (BRCA1 interacting DNA helicase 1; minus strand). Cytogenetic location: 17q23.2.
Variant type: Deletion.
Coding change: c.1104del on transcript NM_032043.3 (MANE Select); coding-DNA position 1104, one base deleted (C; older notation c.1104delC).
Protein change: p.Tyr369fs; shifts the reading frame from tyrosine 369.
Molecular consequence: frameshift variant.
Genome position (GRCh38, 1-based): chr17:61,801,289, G deleted on the plus strand (C on the coding strand, the reverse complement: BRIP1 is on the minus strand); the first of 3 consecutive G bases (chr17:61,801,289-61,801,291); deleting any one gives the same sequence. VCF-style (leftmost placement, unchanged base first): chr17-61801288-AG-A. GRCh37 (hg19) VCF-style: chr17-59878649-AG-A.
Other names: short protein forms Y369fs.
Identifiers: ClinVar variation 2129134 (VCV002129134.4), dbSNP rs2545151832, ClinGen allele CA2580094527.

ClinVar aggregate classification (germline): Pathogenic (1 of 4 stars; one submission).

Conditions:
Familial cancer of breast. Also called: BREAST CANCER, FAMILIAL; Hereditary breast cancer; hereditary breast carcinoma. Identifiers: Orphanet 227535, MedGen C0346153, MONDO:0016419, OMIM 114480. Disease mechanism: loss of function.
Fanconi anemia complementation group J. Also called: BRIP1-Related Fanconi Anemia. Identifiers: Orphanet 84, MedGen C1836860, MONDO:0012187, OMIM 609054.

Submission:

Labcorp Genetics (formerly Invitae), Labcorp
Classification: Pathogenic for Familial cancer of breast; Fanconi anemia complementation group J. Last evaluated: 2022-04-22. Review status: criteria provided, single submitter. Criteria: Invitae Variant Classification Sherloc (09022015). Collection method: clinical testing. Allele origin: germline.
Comment: This variant is not present in population databases (gnomAD no frequency). For these reasons, this variant has been classified as Pathogenic. This variant has not been reported in the literature in individuals affected with BRIP1-related conditions. This sequence change creates a premature translational stop signal (p.Tyr369Thrfs*5) in the BRIP1 gene. It is expected to result in an absent or disrupted protein product. Loss-of-function variants in BRIP1 are known to be pathogenic (PMID: 16116423, 17033622, 21964575).

Literature cited by the submitters: PubMed 16116423; PubMed 17033622; PubMed 21964575.